The following is an entry in ClinVar:

ClinVar aggregate classification (germline): Uncertain significance. Review status: criteria provided, multiple submitters, no conflicts (2 of 4 stars). 2 submissions from 2 submitters: Uncertain significance (2). Last evaluated 2025-12-31.

Conditions:
Inborn genetic diseases. Identifiers: MedGen C0950123, MeSH D030342.

Allele frequency attached by ClinVar (database versions not stated): gnomAD 0.00001.
gnomAD v4.1: 3 of 1,559,278 alleles (0.00019%); highest among the groups gnomAD compares: African/African-American, 0.0014%; no homozygotes.

Submissions (2):

Labcorp Genetics (formerly Invitae), Labcorp
Classification: Uncertain significance. Last evaluated: 2025-12-31. Review status: criteria provided, single submitter. Criteria: Invitae Variant Classification Sherloc (09022015). Collection method: clinical testing. Allele origin: germline.
Comment: This sequence change replaces arginine, which is basic and polar, with proline, which is neutral and non-polar, at codon 487 of the TCF3 protein (p.Arg487Pro). This variant is not present in population databases (gnomAD no frequency). This variant has not been reported in the literature in individuals affected with TCF3-related conditions. ClinVar contains an entry for this variant (Variation ID: 1967058). Invitae Evidence Modeling of protein sequence and biophysical properties (such as structural, functional, and spatial information, amino acid conservation, physicochemical variation, residue mobility, and thermodynamic stability) indicates that this missense variant is not expected to disrupt TCF3 protein function with a negative predictive value of 80%. In summary, the available evidence is currently insufficient to determine the role of this variant in disease. Therefore, it has been classified as a Variant of Uncertain Significance.

Ambry Genetics
Classification: Uncertain significance for Inborn genetic diseases. Last evaluated: 2025-09-22. Review status: criteria provided, single submitter. Criteria: Ambry Variant Classification Scheme 2023. Collection method: clinical testing. Allele origin: germline.

NM_003200.5(TCF3):c.1460G>C (p.Arg487Pro)

Gene: TCF3 (transcription factor 3; minus strand). Cytogenetic location: 19p13.3.
Variant type: single nucleotide variant.
Coding change: c.1460G>C on transcript NM_003200.5 (MANE Select); coding-DNA position 1460, G replaced by C.
Protein change: p.Arg487Pro; replaces arginine 487 with proline.
Molecular consequence: missense variant.
Genome position (GRCh38, 1-based): chr19:1,615,812, C>G on the plus strand (G>C on the coding strand, the complement: TCF3 is on the minus strand). VCF-style: chr19-1615812-C-G. GRCh37 (hg19) VCF-style: chr19-1615811-C-G.
Other names: c.1460G>C (NM_003200.3); c.1460G>C, p.Arg487Pro (NM_001136139.4, NM_001351779.2); c.1457G>C, p.Arg486Pro (NM_001351778.2); short protein forms R486P, R487P.
Identifiers: ClinVar variation 1967058 (VCV001967058.6), dbSNP rs745516889, ClinGen allele CA403051788.